The following is an entry in ClinVar:

ClinVar aggregate classification (germline): Benign. Review status: criteria provided, multiple submitters, no conflicts (2 of 4 stars). 3 submissions from 3 submitters: Benign (3). Last evaluated 2018-09-04.

Conditions:
Weill-Marchesani 4 syndrome, recessive. Also called: Weill-Marchesani syndrome 4. Identifiers: Orphanet 363992, MedGen C2750787, MONDO:0013176, OMIM 613195.

Allele frequency attached by ClinVar (database versions not stated): 1000 Genomes Project 0.58666; 1000 Genomes Project 30x 0.59354; TOPMed 0.62223; gnomAD exomes 0.63254; gnomAD 0.63674 and 0.64086.
gnomAD v4.1: 275,471 of 434,658 alleles (63%); highest among the groups gnomAD compares: Non-Finnish European, 66%; 88,322 homozygotes.

Submissions (3):

GeneDx
Classification: Benign. Last evaluated: 2018-09-04. Review status: criteria provided, single submitter. Criteria: GeneDx Variant Classification Process June 2021. Collection method: clinical testing. Allele origin: germline. Affected: yes.

Illumina Laboratory Services, Illumina
Classification: Benign for Weill-Marchesani 4 syndrome, recessive. Last evaluated: 2018-01-12. Review status: criteria provided, single submitter. Criteria: ICSL Variant Classification Criteria 13 December 2019. Collection method: clinical testing. Allele origin: germline.
Comment: This variant was observed in the ICSL laboratory as part of a predisposition screen in an ostensibly healthy population. It had not been previously curated by ICSL or reported in the Human Gene Mutation Database (HGMD: prior to June 1st, 2018), and was therefore a candidate for classification through an automated scoring system. Utilizing variant allele frequency, disease prevalence and penetrance estimates, and inheritance mode, an automated score was calculated to assess if this variant is too frequent to cause the disease. Based on the score and internal cut-off values, a variant classified as benign is not then subjected to further curation. The score for this variant resulted in a classification of benign for this disease.

Breakthrough Genomics
Classification: Benign. Review status: criteria provided, single submitter. Criteria: ACMG Guidelines, 2015. Collection method: not provided. Allele origin: germline. Inheritance: Autosomal recessive inheritance. Affected: yes.

NM_139057.4(ADAMTS17):c.*316T>C

Gene: ADAMTS17 (ADAM metallopeptidase with thrombospondin type 1 motif 17; minus strand). Cytogenetic location: 15q26.3.
Variant type: single nucleotide variant.
Coding change: c.*316T>C on transcript NM_139057.4 (MANE Select); 316 bases downstream of the stop codon, T replaced by C.
Molecular consequence: 3 prime UTR variant.
Genome position (GRCh38, 1-based): chr15:99,974,086, A>G on the plus strand (T>C on the coding strand, the complement: ADAMTS17 is on the minus strand). VCF-style: chr15-99974086-A-G. GRCh37 (hg19) VCF-style: chr15-100514291-A-G.
Identifiers: ClinVar variation 315236 (VCV000315236.8), dbSNP rs2581345, ClinGen allele CA10636919.